The following is an entry in ClinVar:

ClinVar aggregate classification (germline): Uncertain significance (1 of 4 stars; one submission).

Submission:

Labcorp Genetics (formerly Invitae), Labcorp
Classification: Uncertain significance. Last evaluated: 2020-10-29. Review status: criteria provided, single submitter. Criteria: Invitae Variant Classification Sherloc (09022015). Collection method: clinical testing. Allele origin: germline.
Comment: In summary, the available evidence is currently insufficient to determine the role of this variant in disease. Therefore, it has been classified as a Variant of Uncertain Significance. Algorithms developed to predict the effect of missense changes on protein structure and function (SIFT, PolyPhen-2, Align-GVGD) all suggest that this variant is likely to be tolerated, but these predictions have not been confirmed by published functional studies and their clinical significance is uncertain. This variant has not been reported in the literature in individuals with POLE-related conditions. This variant is not present in population databases (ExAC no frequency). This sequence change replaces tyrosine with aspartic acid at codon 2151 of the POLE protein (p.Tyr2151Asp). The tyrosine residue is moderately conserved and there is a large physicochemical difference between tyrosine and aspartic acid.

NM_006231.4(POLE):c.6451T>G (p.Tyr2151Asp)

Gene: POLE (DNA polymerase epsilon, catalytic subunit; minus strand). Cytogenetic location: 12q24.33.
Variant type: single nucleotide variant.
Coding change: c.6451T>G on transcript NM_006231.4 (MANE Select); coding-DNA position 6451, T replaced by G.
Protein change: p.Tyr2151Asp; replaces tyrosine 2151 with aspartic acid.
Molecular consequence: missense variant.
Genome position (GRCh38, 1-based): chr12:132,626,197, A>C on the plus strand (T>G on the coding strand, the complement: POLE is on the minus strand). VCF-style: chr12-132626197-A-C. GRCh37 (hg19) VCF-style: chr12-133202783-A-C.
Other names: short protein forms Y2151D.
Identifiers: ClinVar variation 1026929 (VCV001026929.8), dbSNP rs1004476069, ClinGen allele CA387367497.